The following is an entry in ClinVar:

ClinVar aggregate classification (germline): Pathogenic (0 of 4 stars; one submission).

Conditions:
Fanconi anemia complementation group A (FANCA). Also called: Fanconi anemia, group A; FANCA-Related Fanconi Anemia. Identifiers: Orphanet 84, MedGen C3469521, MONDO:0009215, OMIM 227650.

gnomAD v4.1: 1 of 1,613,774 alleles (0.000062%); highest among the groups gnomAD compares: Non-Finnish European, 0.000085%; no homozygotes.

Submission:

Leiden Open Variation Database
Classification: Pathogenic for Fanconi anemia complementation group A. Last evaluated: 2020-02-28. Review status: no assertion criteria provided. Collection method: curation. Allele origin: germline. Affected: yes.
Comment: Curator: Arleen D. Auerbach. Submitter to LOVD: Arleen D. Auerbach.

NM_000135.4(FANCA):c.683C>G (p.Ala228Gly)

Gene: FANCA (FA complementation group A; minus strand). Cytogenetic location: 16q24.3.
Variant type: single nucleotide variant.
Coding change: c.683C>G on transcript NM_000135.4 (MANE Select); coding-DNA position 683, C replaced by G.
Protein change: p.Ala228Gly; replaces alanine 228 with glycine.
Molecular consequence: missense variant.
Genome position (GRCh38, 1-based): chr16:89,805,306, G>C on the plus strand (C>G on the coding strand, the complement: FANCA is on the minus strand). VCF-style: chr16-89805306-G-C. GRCh37 (hg19) VCF-style: chr16-89871714-G-C.
Other names: c.683C>G, p.Ala228Gly (NM_001018112.3, NM_001286167.3); c.587C>G, p.Ala196Gly (NM_001351830.2); short protein forms A196G, A228G.
Identifiers: ClinVar variation 974298 (VCV000974298.1), dbSNP rs1354884515, ClinGen allele CA397477803.